The following is an entry in ClinVar:

NM_002637.4(PHKA1):c.2526G>A (p.Glu842=)

Gene: PHKA1 (phosphorylase kinase regulatory subunit alpha 1; minus strand). Cytogenetic location: Xq13.1.
Variant type: single nucleotide variant.
Coding change: c.2526G>A on transcript NM_002637.4 (MANE Select); coding-DNA position 2526, G replaced by A.
Protein change: p.Glu842=; no amino-acid change (glutamic acid 842 retained).
Molecular consequence: synonymous variant.
Genome position (GRCh38, 1-based): chrX:72,611,028, C>T on the plus strand (G>A on the coding strand, the complement: PHKA1 is on the minus strand). VCF-style: chrX-72611028-C-T. GRCh37 (hg19) VCF-style: chrX-71830878-C-T.
Other names: c.2526G>A, p.Glu842= (NM_001122670.2); c.2349G>A, p.Glu783= (NM_001172436.2).
Identifiers: ClinVar variation 2691502 (VCV002691502.1), dbSNP rs2522444637, ClinGen allele CA516752392.
Genomic context (GRCh38, chrX:72,611,028, plus strand): 5'-AACCAATTTTTAAAAAGCACGCTTATTTAGATTTGGTATAAATTCAAGAATTTATAGTAC[C>T]TCATCAAGTGCTTCCACTTTCTTCCTTAAGATCCCAGAAATGTATCGGATCAGGCCCCAG-3'
Protein context (NP_002628.2, residues 832-852): ILRKKVEALD[Glu842=]ACTDLLSHQK

ClinVar aggregate classification (germline): Uncertain significance (1 of 4 stars; one submission).

Submission:

Women's Health and Genetics/Laboratory Corporation of America, LabCorp
Classification: Uncertain significance. Last evaluated: 2023-12-07. Review status: criteria provided, single submitter. Criteria: LabCorp Variant Classification Summary - May 2015. Collection method: clinical testing. Allele origin: germline.
Comment: Variant summary: PHKA1 c.2526G>A (p.Glu842Glu) alters a conserved nucleotide located close to a canonical splice site and therefore could affect mRNA splicing, leading to a significantly altered protein sequence. Several computational tools predict a significant impact on normal splicing: Two predict the variant abolishes a 5' splicing donor site. However, these predictions have yet to be confirmed by functional studies. The variant was absent in 179076 control chromosomes. The available data on variant occurrences in the general population are insufficient to allow any conclusion about variant significance. To our knowledge, no occurrence of c.2526G>A in individuals affected with Glycogen Phosphorylase Kinase Deficiency and no experimental evidence demonstrating its impact on protein function have been reported. No submitters have cited clinical-significance assessments for this variant to ClinVar after 2014. Based on the evidence outlined above, the variant was classified as uncertain significance.